The following is an entry in ClinVar:

ClinVar aggregate classification (germline): Conflicting classifications of pathogenicity. Review status: criteria provided, conflicting classifications (1 of 4 stars). 14 submissions from 14 submitters: Uncertain significance (1); Benign (3); Likely benign (8). 2 of the submissions do not count toward it. Last evaluated 2026-02-01.

Conditions:
Hepatocellular carcinoma (HCC). Also called: LIVER CELL CARCINOMA; Primary carcinoma of liver; HEPATOMA. Identifiers: Orphanet 88673, MedGen C2239176, MONDO:0007256, OMIM 114550, HP:0001402.
Papillary renal cell carcinoma type 1 (RCCP1). Also called: RENAL CELL CARCINOMA, PAPILLARY, 1, SOMATIC; Renal adenocarcinoma; Renal cell carcinoma 1; Renal cell carcinoma, somatic. Identifiers: Orphanet 47044, MedGen C1336839, OMIM 605074, HP:0011797.
Autosomal recessive nonsyndromic hearing loss 97. Also called: Deafness, autosomal recessive 97. Identifiers: Orphanet 90636, MedGen C4084709, MONDO:0014739, OMIM 616705.
Osteofibrous dysplasia (OSFD). Also called: Tibia, bowing of, with pseudarthrosis and pectus excavatum. Identifiers: Orphanet 488265, MedGen C4085248, MONDO:0011806, OMIM 607278.
Arthrogryposis, distal, IIa 11. Also called: Arthrogryposis, distal, type 11. Identifiers: MedGen C5774205, MONDO:0031045, OMIM 620019.
MET-related disorder. Also called: MET-related condition.
Renal cell carcinoma. Identifiers: Orphanet 217071, MedGen C0007134, MeSH D002292, MONDO:0005086, HP:0005584.
Hereditary cancer-predisposing syndrome. Also called: Tumor predisposition; Hereditary neoplastic syndrome; Neoplastic Syndromes, Hereditary; Hereditary Cancer Syndrome. Identifiers: Orphanet 140162, MedGen C0027672, MeSH D009386, MONDO:0015356.

Allele frequency attached by ClinVar (database versions not stated): gnomAD exomes 0.00015 and 0.00040; TOPMed 0.00022; gnomAD 0.00023 and 0.00024; ExAC 0.00035; ESP Exome Variant Server 0.00042.
gnomAD v4.1: 277 of 1,613,770 alleles (0.017%); highest among the groups gnomAD compares: Non-Finnish European, 0.0036%; no homozygotes.

Submissions (14):

Labcorp Genetics (formerly Invitae), Labcorp
Classification: Benign for Renal cell carcinoma. Last evaluated: 2026-02-01. Review status: criteria provided, single submitter. Criteria: Invitae Variant Classification Sherloc (09022015). Collection method: clinical testing. Allele origin: germline.

Center for Genomic Medicine, Rigshospitalet, Copenhagen University Hospital
Classification: Likely benign. Last evaluated: 2025-03-04. Review status: criteria provided, single submitter. Criteria: ACMG Guidelines, 2015. Collection method: clinical testing. Allele origin: germline.

Blueprint Genetics
Classification: Likely benign. Last evaluated: 2024-11-13. Review status: criteria provided, single submitter. Criteria: ACMG Guidelines, 2015. Collection method: clinical testing. Allele origin: germline.

Myriad Genetics, Inc.
Classification: Likely benign for Papillary renal cell carcinoma type 1. Last evaluated: 2024-11-06. Review status: criteria provided, single submitter. Criteria: Myriad Autosomal Dominant, Autosomal Recessive and X-Linked Classification Criteria (2023). Collection method: clinical testing. Allele origin: unknown.
Comment: This variant is considered likely benign. This variant has been observed at a population frequency that is significantly greater than expected given the associated disease prevalence and penetrance.

Department of Pathology and Laboratory Medicine, Sinai Health System
Classification: Likely benign for Hepatocellular carcinoma; Papillary renal cell carcinoma type 1; Osteofibrous dysplasia; Autosomal recessive nonsyndromic hearing loss 97; Arthrogryposis, distal, IIa 11. Last evaluated: 2023-11-01. Review status: criteria provided, single submitter. Criteria: ACMG Guidelines, 2015. Collection method: clinical testing. Allele origin: germline.

Mendelics
Classification: Benign for Renal cell carcinoma. Last evaluated: 2023-08-22. Review status: criteria provided, single submitter. Criteria: Mendelics Assertion Criteria 2019. Collection method: clinical testing. Allele origin: germline.

Institute for Clinical Genetics, University Hospital TU Dresden, University Hospital TU Dresden
Classification: Uncertain significance. Last evaluated: 2021-11-03. Review status: criteria provided, single submitter. Criteria: ACMG Guidelines, 2015. Collection method: clinical testing. Allele origin: germline.

Women's Health and Genetics/Laboratory Corporation of America, LabCorp
Classification: Benign. Last evaluated: 2021-06-28. Review status: criteria provided, single submitter. Criteria: LabCorp Variant Classification Summary - May 2015. Collection method: clinical testing. Allele origin: germline.
Comment: Variant summary: MET c.967A>G (p.Ser323Gly) results in a non-conservative amino acid change in the encoded protein sequence. Three of five in-silico tools predict a benign effect of the variant on protein function. The variant allele was found at a frequency of 0.0004 in 248794 control chromosomes. The observed variant frequency is approximately 268 fold of the estimated maximal expected allele frequency for a pathogenic variant in MET causing Papillary Renal Cell Carcinoma phenotype (1.5e-06), strongly suggesting that the variant is benign. To our knowledge, no occurrence of c.967A>G in individuals affected with Papillary Renal Cell Carcinoma and no experimental evidence demonstrating its impact on protein function have been reported. Five clinical diagnostic laboratories have submitted clinical-significance assessments for this variant to ClinVar after 2014 without evidence for independent evaluation. Based on the evidence outlined above, the variant was classified as benign.

Ambry Genetics
Classification: Likely benign for Hereditary cancer-predisposing syndrome. Last evaluated: 2020-10-12. Review status: criteria provided, single submitter. Criteria: Ambry Variant Classification Scheme 2023. Collection method: clinical testing. Allele origin: germline.

Sema4
Classification: Likely benign for Hereditary cancer-predisposing syndrome. Last evaluated: 2020-08-26. Review status: criteria provided, single submitter. Criteria: Sema4 Curation Guidelines. Collection method: curation. Allele origin: germline.

GeneDx
Classification: Likely benign. Last evaluated: 2019-03-28. Review status: criteria provided, single submitter. Criteria: GeneDx Variant Classification Process June 2021. Collection method: clinical testing. Allele origin: germline. Affected: yes.
Comment: This variant is associated with the following publications: (PMID: 22703879, 28873162, 16050800, 15735036, 20139696, 26878173, 22363766, 28603720, 25605252, 21904579, 26700204, 22530990)

Illumina Laboratory Services, Illumina
Classification: Likely benign for Papillary renal cell carcinoma type 1. Last evaluated: 2017-04-27. Review status: criteria provided, single submitter. Criteria: ICSL Variant Classification Criteria 13 December 2019. Collection method: clinical testing. Allele origin: germline.
Comment: This variant was observed as part of a predisposition screen in an ostensibly healthy population. A literature search was performed for the gene, cDNA change, and amino acid change (where applicable). No publications were found based on this search. Allele frequency data from public databases allowed determination this variant is unlikely to cause disease. Therefore, this variant is classified as likely benign.

PreventionGenetics, part of Exact Sciences
Classification: Likely benign for MET-related condition. Last evaluated: 2020-09-26. Review status: no assertion criteria provided. Collection method: clinical testing. Allele origin: germline. Not counted in ClinVar's aggregate classification.
Comment: This variant is classified as likely benign based on ACMG/AMP sequence variant interpretation guidelines (Richards et al. 2015 PMID: 25741868, with internal and published modifications).

Biesecker Lab/Clinical Genomics Section, National Institutes of Health
Classification: Uncertain significance. Last evaluated: 2012-07-13. Review status: no assertion criteria provided. Collection method: research. Allele origin: germline. Affected: no. Observed: 2 variant alleles. Study: ClinSeq. Not counted in ClinVar's aggregate classification.
ClinVar note: Converted during submission from variant of unknown significance to Uncertain significance.

Literature cited by the submitters: PubMed 32214092 (cited by Center for Genomic Medicine, Rigshospitalet, Copenhagen University Hospital and Department of Pathology and Laboratory Medicine, Sinai Health System).

NM_000245.4(MET):c.967A>G (p.Ser323Gly)

Gene: MET (MET proto-oncogene, receptor tyrosine kinase; plus strand). Cytogenetic location: 7q31.2.
Variant type: single nucleotide variant.
Coding change: c.967A>G on transcript NM_000245.4 (MANE Select); coding-DNA position 967, A replaced by G.
Protein change: p.Ser323Gly; replaces serine 323 with glycine.
Molecular consequence: missense variant. On other transcripts: intron variant (1).
Genome position (GRCh38, 1-based): chr7:116,700,051, A>G. VCF-style: chr7-116700051-A-G. GRCh37 (hg19) VCF-style: chr7-116340105-A-G.
Other names: c.967A>G, p.Ser323Gly (NM_001127500.3, NM_001324401.3); c.-91+27474A>G (NM_001324402.2); short protein forms S323G.
Identifiers: ClinVar variation 41630 (VCV000041630.36), dbSNP rs201467281, ClinGen allele CA215665.